The following is an entry in ClinVar:

NC_000015.9:g.(?_48736718)_(48736877_?)del

Gene: FBN1 (fibrillin 1; minus strand). Cytogenetic location: 15q21.1.
Variant type: Deletion.
Identifiers: ClinVar variation 1459311 (VCV001459311.6).

ClinVar aggregate classification (germline): Pathogenic (1 of 4 stars; one submission).

Conditions:
Marfan syndrome (MFS). Also called: MARFAN SYNDROME, TYPE I; Marfan syndrome type 1; Marfan's syndrome; Marfan syndrome, classic; FBN1-Related Marfan Syndrome. Identifiers: Orphanet 284963, Orphanet 558, MedGen C0024796, MONDO:0007947, OMIM 154700.
Familial thoracic aortic aneurysm and aortic dissection (TAAD). Also called: Thoracic aortic aneurysms and dissections. Identifiers: Orphanet 91387, MedGen C4707243, MONDO:0019625.

Submission:

Labcorp Genetics (formerly Invitae), Labcorp
Classification: Pathogenic for Marfan syndrome; Familial thoracic aortic aneurysm and aortic dissection. Last evaluated: 2021-04-26. Review status: criteria provided, single submitter. Criteria: Invitae Variant Classification Sherloc (09022015). Collection method: clinical testing. Allele origin: germline.
Comment: For these reasons, this variant has been classified as Pathogenic. This variant affects cysteine residues in the EGF-like, TGFBP or hybrid motif domains of FBN1. Cysteine residues are believed to be involved in intramolecular disulfide bridges and have been shown to be important for FBN1 protein structure (PMID: 16905551, 19349279). In addition, missense substitutions affecting cysteine residues within these domains are significantly overrepresented among patients with Marfan syndrome (PMID: 16571647, 17701892). This variant has been observed in several individuals affected with Marfan syndrome (PMID:¬†25907466, Invitae). This variant is an in-frame deletion of the genomic region encompassing exon 49 of the FBN1 gene. It preserves the integrity of the reading frame.

Literature cited by the submitters: PubMed 16905551; PubMed 19349279; PubMed 16571647; PubMed 17701892.